The following is an entry in ClinVar:

NM_022168.4(IFIH1):c.277C>G (p.Arg93Gly)

Gene: IFIH1 (interferon induced with helicase C domain 1; minus strand). Cytogenetic location: 2q24.2.
Variant type: single nucleotide variant.
Coding change: c.277C>G on transcript NM_022168.4 (MANE Select); coding-DNA position 277, C replaced by G.
Protein change: p.Arg93Gly; replaces arginine 93 with glycine.
Molecular consequence: missense variant.
Genome position (GRCh38, 1-based): chr2:162,318,031, G>C on the plus strand (C>G on the coding strand, the complement: IFIH1 is on the minus strand). VCF-style: chr2-162318031-G-C. GRCh37 (hg19) VCF-style: chr2-163174541-G-C.
Other names: short protein forms R93G.
Identifiers: ClinVar variation 1441982 (VCV001441982.12), dbSNP rs947699715, ClinGen allele CA349013708.

ClinVar aggregate classification (germline): Uncertain significance. Review status: criteria provided, multiple submitters, no conflicts (2 of 4 stars). 2 submissions from 2 submitters: Uncertain significance (2). Last evaluated 2026-02-01.

Conditions:
Aicardi-Goutieres syndrome 7 (AGS7). Identifiers: Orphanet 51, MedGen C3888244, MONDO:0014367, OMIM 615846.
Singleton-Merten syndrome 1 (SGMRT1). Also called: Widened medullary cavities of bone, aortic calcification, abnormal dentition, and muscular weakness; Syndrome of widened medullary cavities of the metacarpals and phalanges, aortic calcification and abnormal dentition. Identifiers: Orphanet 85191, MedGen C4225427, MONDO:0024535, OMIM 182250.

gnomAD v4.1: 12 of 1,614,038 alleles (0.00074%); highest among the groups gnomAD compares: Admixed American, 0.0017%; no homozygotes.

Submissions (2):

CeGaT Center for Human Genetics Tuebingen
Classification: Uncertain significance. Last evaluated: 2026-02-01. Review status: criteria provided, single submitter. Criteria: CeGaT Center For Human Genetics Tuebingen Variant Classification Criteria Version 2. Collection method: clinical testing. Allele origin: germline. Affected: yes. Observed: 1 variant allele.
Comment: IFIH1: PM2, BP4

Labcorp Genetics (formerly Invitae), Labcorp
Classification: Uncertain significance for Aicardi-Goutieres syndrome 7; Singleton-Merten syndrome 1. Last evaluated: 2024-11-03. Review status: criteria provided, single submitter. Criteria: Invitae Variant Classification Sherloc (09022015). Collection method: clinical testing. Allele origin: germline.
Comment: This sequence change replaces arginine, which is basic and polar, with glycine, which is neutral and non-polar, at codon 93 of the IFIH1 protein (p.Arg93Gly). This variant is present in population databases (no rsID available, gnomAD 0.003%). This variant has not been reported in the literature in individuals affected with IFIH1-related conditions. ClinVar contains an entry for this variant (Variation ID: 1441982). Invitae Evidence Modeling of protein sequence and biophysical properties (such as structural, functional, and spatial information, amino acid conservation, physicochemical variation, residue mobility, and thermodynamic stability) has been performed for this missense variant. However, the output from this modeling did not meet the statistical confidence thresholds required to predict the impact of this variant on IFIH1 protein function. In summary, the available evidence is currently insufficient to determine the role of this variant in disease. Therefore, it has been classified as a Variant of Uncertain Significance.